The following is an entry in ClinVar:

NM_001104631.2(PDE4D):c.192G>T (p.Ser64=)

Gene: PDE4D (phosphodiesterase 4D; minus strand). Cytogenetic location: 5q12.1.
Variant type: single nucleotide variant.
Coding change: c.192G>T on transcript NM_001104631.2 (MANE Select); coding-DNA position 192, G replaced by T.
Protein change: p.Ser64=; no amino-acid change (serine 64 retained).
Molecular consequence: synonymous variant. On other transcripts: intron variant (5).
Genome position (GRCh38, 1-based): chr5:59,893,431, C>A on the plus strand (G>T on the coding strand, the complement: PDE4D is on the minus strand). VCF-style: chr5-59893431-C-A. GRCh37 (hg19) VCF-style: chr5-59189258-C-A.
Other names: c.272+95057G>T (NM_001364599.1, NM_001165899.2, NM_001364600.2); c.-240+95057G>T (NM_001349243.2); c.242+95057G>T (NM_001349241.2).
Identifiers: ClinVar variation 5041854 (VCV005041854.1).

ClinVar aggregate classification (germline): Likely benign (1 of 4 stars; one submission).

gnomAD v4.1: 1 of 1,497,620 alleles (0.000067%); highest among the groups gnomAD compares: Non-Finnish European, 0.000089%; no homozygotes.

Submission:

CeGaT Center for Human Genetics Tuebingen
Classification: Likely benign. Last evaluated: 2026-09-01. Review status: criteria provided, single submitter. Criteria: CeGaT Center For Human Genetics Tuebingen Variant Classification Criteria Version 2. Collection method: clinical testing. Allele origin: germline. Affected: yes. Observed: 1 variant allele.
Comment: PDE4D: BP4, BP7